The following is an entry in ClinVar:

ClinVar aggregate classification (germline): Uncertain significance (1 of 4 stars; one submission).

Conditions:
DACT1-related disorder. Also called: DACT1-related condition.

Submission:

PreventionGenetics, part of Exact Sciences
Classification: Uncertain significance for DACT1-related condition. Last evaluated: 2023-08-14. Review status: criteria provided, single submitter. Criteria: ACMG Guidelines, 2015. Collection method: clinical testing. Allele origin: germline.
Comment: The DACT1 c.1388A>G variant is predicted to result in the amino acid substitution p.His463Arg. To our knowledge, this variant has not been reported in the literature or in a large population database, indicating this variant is rare. At this time, the clinical significance of this variant is uncertain due to the absence of conclusive functional and genetic evidence.

NM_001079520.2(DACT1):c.1277A>G (p.His426Arg)

Gene: DACT1 (dishevelled binding antagonist of beta catenin 1; plus strand). Cytogenetic location: 14q23.1.
Variant type: single nucleotide variant.
Coding change: c.1277A>G on transcript NM_001079520.2 (MANE Select); coding-DNA position 1277, A replaced by G.
Protein change: p.His426Arg; replaces histidine 426 with arginine.
Molecular consequence: missense variant. On other transcripts: non-coding transcript variant (5).
Genome position (GRCh38, 1-based): chr14:58,646,011, A>G. VCF-style: chr14-58646011-A-G. GRCh37 (hg19) VCF-style: chr14-59112729-A-G.
Other names: c.1388A>G, p.His463Arg (NM_016651.6); short protein forms H426R, H463R.
Identifiers: ClinVar variation 2631540 (VCV002631540.1), dbSNP rs2544730243, ClinGen allele CA389867326.